The following is an entry in ClinVar:

ClinVar aggregate classification (germline): Uncertain significance. Review status: criteria provided, multiple submitters, no conflicts (2 of 4 stars). 2 submissions from 2 submitters: Uncertain significance (2). Last evaluated 2025-07-15.

Conditions:
Hereditary cancer-predisposing syndrome. Also called: Tumor predisposition; Neoplastic Syndromes, Hereditary; Hereditary Cancer Syndrome; Hereditary neoplastic syndrome. Identifiers: Orphanet 140162, MedGen C0027672, MeSH D009386, MONDO:0015356.
Tuberous sclerosis 2 (TSC2). Identifiers: Orphanet 805, MedGen C1860707, MONDO:0013199, OMIM 613254.

gnomAD v4.1: 1 of 1,604,910 alleles (0.000062%); no homozygotes.

Submissions (2):

Labcorp Genetics (formerly Invitae), Labcorp
Classification: Uncertain significance for Tuberous sclerosis 2. Last evaluated: 2025-07-15. Review status: criteria provided, single submitter. Criteria: Invitae Variant Classification Sherloc (09022015). Collection method: clinical testing. Allele origin: germline.
Comment: This sequence change replaces arginine, which is basic and polar, with glutamine, which is neutral and polar, at codon 1457 of the TSC2 protein (p.Arg1457Gln). This variant is not present in population databases (gnomAD no frequency). This variant has not been reported in the literature in individuals affected with TSC2-related conditions. ClinVar contains an entry for this variant (Variation ID: 406057). Invitae Evidence Modeling of protein sequence and biophysical properties (such as structural, functional, and spatial information, amino acid conservation, physicochemical variation, residue mobility, and thermodynamic stability) indicates that this missense variant is not expected to disrupt TSC2 protein function with a negative predictive value of 95%. In summary, the available evidence is currently insufficient to determine the role of this variant in disease. Therefore, it has been classified as a Variant of Uncertain Significance.

Ambry Genetics
Classification: Uncertain significance for Hereditary cancer-predisposing syndrome. Last evaluated: 2024-04-19. Review status: criteria provided, single submitter. Criteria: Ambry Variant Classification Scheme 2023. Collection method: clinical testing. Allele origin: germline.
Comment: The p.R1457Q variant (also known as c.4370G>A), located in coding exon 33 of the TSC2 gene, results from a G to A substitution at nucleotide position 4370. The arginine at codon 1457 is replaced by glutamine, an amino acid with highly similar properties. This amino acid position is highly conserved in available vertebrate species. In addition, this alteration is predicted to be deleterious by in silico analysis. Based on the available evidence, the clinical significance of this variant remains unclear.

NM_000548.5(TSC2):c.4370G>A (p.Arg1457Gln)

Gene: TSC2 (TSC complex subunit 2; plus strand). Cytogenetic location: 16p13.3.
Variant type: single nucleotide variant.
Coding change: c.4370G>A on transcript NM_000548.5 (MANE Select); coding-DNA position 4370, G replaced by A.
Protein change: p.Arg1457Gln; replaces arginine 1457 with glutamine.
Molecular consequence: missense variant.
Genome position (GRCh38, 1-based): chr16:2,084,592, G>A. VCF-style: chr16-2084592-G-A. GRCh37 (hg19) VCF-style: chr16-2134593-G-A.
Other names: c.4169G>A, p.Arg1390Gln (NM_001077183.3); c.4301G>A, p.Arg1434Gln (NM_001114382.3); c.4061G>A, p.Arg1354Gln (NM_001318827.2); c.4025G>A, p.Arg1342Gln (NM_001318829.2); c.3638G>A, p.Arg1213Gln (NM_001318831.2); c.4202G>A, p.Arg1401Gln (NM_001318832.2); c.4172G>A, p.Arg1391Gln (NM_001363528.2); c.4238G>A, p.Arg1413Gln (NM_001370404.1); and 1 more; short protein forms R1457Q, R1401Q, R1342Q, R1390Q, R1391Q, R1213Q, R1413Q, R1414Q.
Identifiers: ClinVar variation 406057 (VCV000406057.10), dbSNP rs1060500952, ClinGen allele CA16614754.